The following is an entry in ClinVar:

ClinVar aggregate classification (germline): Pathogenic (1 of 4 stars; one submission).

Conditions:
Ehlers-Danlos syndrome, classic type, 1 (EDSCL1). Also called: EHLERS-DANLOS SYNDROME, GRAVIS TYPE; EHLERS-DANLOS SYNDROME, SEVERE CLASSIC TYPE; EDS I; Ehlers-Danlos Syndrome, Classic Type, COL5A1-Related; Ehlers-Danlos syndrome, type 1. Identifiers: MedGen C0268335, MONDO:0019567, OMIM 130000.

Submission:

Labcorp Genetics (formerly Invitae), Labcorp
Classification: Pathogenic for Ehlers-Danlos syndrome, classic type, 1. Last evaluated: 2022-12-07. Review status: criteria provided, single submitter. Criteria: Invitae Variant Classification Sherloc (09022015). Collection method: clinical testing. Allele origin: germline.
Comment: This variant is not present in population databases (gnomAD no frequency). This sequence change replaces leucine, which is neutral and non-polar, with arginine, which is basic and polar, at codon 25 of the COL5A1 protein (p.Leu25Arg). For these reasons, this variant has been classified as Pathogenic. This variant disrupts the p.Leu25 amino acid residue in COL5A1. Other variant(s) that disrupt this residue have been determined to be pathogenic (PMID: 18972565). This suggests that this residue is clinically significant, and that variants that disrupt this residue are likely to be disease-causing. Experimental studies have shown that this missense change affects COL5A1 function (PMID: 18972565). Advanced modeling of protein sequence and biophysical properties (such as structural, functional, and spatial information, amino acid conservation, physicochemical variation, residue mobility, and thermodynamic stability) performed at Invitae indicates that this missense variant is not expected to disrupt COL5A1 protein function. ClinVar contains an entry for this variant (Variation ID: 1059268). This missense change has been observed in individuals with Ehlers-Danlos syndrome (PMID: 18972565; Invitae). It has also been observed to segregate with disease in related individuals.

Literature cited by the submitters: PubMed 18972565.

NM_000093.5(COL5A1):c.74T>G (p.Leu25Arg)

Gene: COL5A1 (collagen type V alpha 1 chain; plus strand). Cytogenetic location: 9q34.3.
Variant type: single nucleotide variant.
Coding change: c.74T>G on transcript NM_000093.5 (MANE Select); coding-DNA position 74, T replaced by G.
Protein change: p.Leu25Arg; replaces leucine 25 with arginine.
Molecular consequence: missense variant.
Genome position (GRCh38, 1-based): chr9:134,642,261, T>G. VCF-style: chr9-134642261-T-G. GRCh37 (hg19) VCF-style: chr9-137534107-T-G.
Other names: c.74T>G, p.Leu25Arg (NM_001278074.1); short protein forms L25R.
Identifiers: ClinVar variation 1059268 (VCV001059268.10), dbSNP rs1831316527, ClinGen allele CA375443964.
Genomic context (GRCh38, chr9:134,642,261, plus strand): 5'-CCCGCTGGAAAGCGCGCAGCGCGCTCCGCCCGGGCGCCCCGCTGCTGCCCCCGCTGCTGC[T>G]GCTGCTGCTGTGGGCGCCGCCTCCGAGCCGCGCAGGTAAGGGCGCCCCGGGGCGCGGGGC-3'
Protein context (NP_000084.3, residues 15-35): PGAPLLPPLL[Leu25Arg]LLLWAPPPSR